The following is an entry in ClinVar:

ClinVar aggregate classification (germline): Uncertain significance (1 of 4 stars; one submission).

Conditions:
Neuropathy, hereditary sensory and autonomic, type 2A (HSAN2A). Also called: ACROOSTEOLYSIS, GIACCAI TYPE; ACROOSTEOLYSIS, NEUROGENIC; MORVAN DISEASE; NEUROPATHY, CONGENITAL SENSORY; NEUROPATHY, HEREDITARY SENSORY RADICULAR, AUTOSOMAL RECESSIVE; NEUROPATHY, HEREDITARY SENSORY, TYPE IIA. Identifiers: Orphanet 970, MedGen C2752089, MONDO:0024309, OMIM 201300.
Generalized epilepsy with febrile seizures plus, type 7 (GEFSP7). Also called: GEFS+, TYPE 7. Identifiers: Orphanet 36387, MedGen C2751778, MONDO:0013470, OMIM 613863.

Submission:

Labcorp Genetics (formerly Invitae), Labcorp
Classification: Uncertain significance for Neuropathy, hereditary sensory and autonomic, type 2A; Generalized epilepsy with febrile seizures plus, type 7. Last evaluated: 2025-03-19. Review status: criteria provided, single submitter. Criteria: Invitae Variant Classification Sherloc (09022015). Collection method: clinical testing. Allele origin: germline.
Comment: This sequence change replaces lysine, which is basic and polar, with glutamine, which is neutral and polar, at codon 1918 of the SCN9A protein (p.Lys1918Gln). This variant is not present in population databases (gnomAD no frequency). This variant has not been reported in the literature in individuals affected with SCN9A-related conditions. Invitae Evidence Modeling of protein sequence and biophysical properties (such as structural, functional, and spatial information, amino acid conservation, physicochemical variation, residue mobility, and thermodynamic stability) has been performed for this missense variant. However, the output from this modeling did not meet the statistical confidence thresholds required to predict the impact of this variant on SCN9A protein function. In summary, the available evidence is currently insufficient to determine the role of this variant in disease. Therefore, it has been classified as a Variant of Uncertain Significance.

NM_001365536.1(SCN9A):c.5785A>C (p.Lys1929Gln)

Genes: SCN1A-AS1 (SCN1A and SCN9A antisense RNA 1; plus strand), SCN9A (sodium voltage-gated channel alpha subunit 9; minus strand). Cytogenetic location: 2q24.3.
Variant type: single nucleotide variant.
Coding change: c.5785A>C on transcript NM_001365536.1 (MANE Select); coding-DNA position 5785, A replaced by C.
Protein change: p.Lys1929Gln; replaces lysine 1929 with glutamine.
Molecular consequence: missense variant.
Genome position (GRCh38, 1-based): chr2:166,198,854, T>G on the plus strand (A>C on the coding strand, the complement: SCN9A is on the minus strand). VCF-style: chr2-166198854-T-G. GRCh37 (hg19) VCF-style: chr2-167055364-T-G.
Other names: c.5752A>C, p.Lys1918Gln (NM_002977.4); short protein forms K1918Q, K1929Q.
Identifiers: ClinVar variation 4789358 (VCV004789358.1).